The following is an entry in ClinVar:

NM_002427.4(MMP13):c.1237G>T (p.Asp413Tyr)

Gene: MMP13 (matrix metallopeptidase 13; minus strand). Cytogenetic location: 11q22.2.
Variant type: single nucleotide variant.
Coding change: c.1237G>T on transcript NM_002427.4 (MANE Select); coding-DNA position 1237, G replaced by T.
Protein change: p.Asp413Tyr; replaces aspartic acid 413 with tyrosine.
Molecular consequence: missense variant.
Genome position (GRCh38, 1-based): chr11:102,945,724, C>A on the plus strand (G>T on the coding strand, the complement: MMP13 is on the minus strand). VCF-style: chr11-102945724-C-A. GRCh37 (hg19) VCF-style: chr11-102816453-C-A.
Other names: short protein forms D413Y.
Identifiers: ClinVar variation 2910284 (VCV002910284.3), dbSNP rs572644245, ClinGen allele CA6251732.

ClinVar aggregate classification (germline): Uncertain significance (1 of 4 stars; one submission).

Allele frequency attached by ClinVar (database versions not stated): TOPMed 0.00003; 1000 Genomes Project 0.00020; gnomAD 0.00001; 1000 Genomes Project 30x 0.00016.

Submission:

Labcorp Genetics (formerly Invitae), Labcorp
Classification: Uncertain significance. Last evaluated: 2025-08-04. Review status: criteria provided, single submitter. Criteria: Invitae Variant Classification Sherloc (09022015). Collection method: clinical testing. Allele origin: germline.
Comment: This sequence change replaces aspartic acid, which is acidic and polar, with tyrosine, which is neutral and polar, at codon 413 of the MMP13 protein (p.Asp413Tyr). This variant is present in population databases (rs572644245, gnomAD 0.1%). This variant has not been reported in the literature in individuals affected with MMP13-related conditions. ClinVar contains an entry for this variant (Variation ID: 2910284). Invitae Evidence Modeling of protein sequence and biophysical properties (such as structural, functional, and spatial information, amino acid conservation, physicochemical variation, residue mobility, and thermodynamic stability) indicates that this missense variant is expected to disrupt MMP13 protein function with a positive predictive value of 80%. In summary, the available evidence is currently insufficient to determine the role of this variant in disease. Therefore, it has been classified as a Variant of Uncertain Significance.